The following is an entry in ClinVar:

NM_024721.5(ZFHX4):c.4916C>T (p.Ala1639Val)

Gene: ZFHX4 (zinc finger homeobox 4; plus strand). Cytogenetic location: 8q21.13.
Variant type: single nucleotide variant.
Coding change: c.4916C>T on transcript NM_024721.5 (MANE Select); coding-DNA position 4916, C replaced by T.
Protein change: p.Ala1639Val; replaces alanine 1639 with valine.
Molecular consequence: missense variant.
Genome position (GRCh38, 1-based): chr8:76,851,837, C>T. VCF-style: chr8-76851837-C-T. GRCh37 (hg19) VCF-style: chr8-77764073-C-T.
Other names: short protein forms A1639V.
Identifiers: ClinVar variation 784131 (VCV000784131.7), dbSNP rs28376707, ClinGen allele CA4787592.

ClinVar aggregate classification (germline): Benign. Review status: criteria provided, multiple submitters, no conflicts (2 of 4 stars). 3 submissions from 3 submitters: Benign (2). 1 of the submissions does not count toward it. Last evaluated 2019-12-31.

Conditions:
ZFHX4-related disorder. Also called: ZFHX4-related condition.

Allele frequency attached by ClinVar (database versions not stated): gnomAD 0.02332 and 0.02502; 1000 Genomes Project 30x 0.02701; ExAC 0.00724; TOPMed 0.02583; ESP Exome Variant Server 0.02588; 1000 Genomes Project 0.02616; gnomAD exomes 0.00581.
gnomAD v4.1: 6,755 of 1,613,900 alleles (0.42%); highest among the groups gnomAD compares: African/African-American, 8.1%; 244 homozygotes.

Submissions (3):

Labcorp Genetics (formerly Invitae), Labcorp
Classification: Benign. Last evaluated: 2019-12-31. Review status: criteria provided, single submitter. Criteria: Invitae Variant Classification Sherloc (09022015). Collection method: clinical testing. Allele origin: germline.

Breakthrough Genomics
Classification: Benign. Review status: criteria provided, single submitter. Criteria: ACMG Guidelines, 2015. Collection method: not provided. Allele origin: germline. Inheritance: Autosomal dominant inheritance. Affected: yes.

PreventionGenetics, part of Exact Sciences
Classification: Benign for ZFHX4-related condition. Last evaluated: 2019-11-07. Review status: no assertion criteria provided. Collection method: clinical testing. Allele origin: germline. Not counted in ClinVar's aggregate classification.
Comment: This variant is classified as benign based on ACMG/AMP sequence variant interpretation guidelines (Richards et al. 2015 PMID: 25741868, with internal and published modifications).